The following is an entry in ClinVar:

NM_016100.5(NAA20):c.14G>A (p.Arg5Gln)

Genes: NAA20 (N-alpha-acetyltransferase 20, NatB catalytic subunit; plus strand), LOC130065488 (ATAC-STARR-seq lymphoblastoid silent region 12707; plus strand). Cytogenetic location: 20p11.23.
Variant type: single nucleotide variant.
Coding change: c.14G>A on transcript NM_016100.5 (MANE Select); coding-DNA position 14, G replaced by A.
Protein change: p.Arg5Gln; replaces arginine 5 with glutamine.
Molecular consequence: missense variant.
Genome position (GRCh38, 1-based): chr20:20,017,410, G>A. VCF-style: chr20-20017410-G-A. GRCh37 (hg19) VCF-style: chr20-19998054-G-A.
Other names: c.14G>A, p.Arg5Gln (NM_181528.3); short protein forms R5Q.
Identifiers: ClinVar variation 4531746 (VCV004531746.1).

ClinVar aggregate classification (germline): Uncertain significance (1 of 4 stars; one submission).

Conditions:
Intellectual developmental disorder, autosomal recessive 73 (MRT73). Identifiers: MedGen C5676902, MONDO:0030533, OMIM 619717.

gnomAD v4.1: 14 of 1,611,832 alleles (0.00087%); highest among the groups gnomAD compares: South Asian, 0.0033%; no homozygotes.

Submission:

Victorian Clinical Genetics Services, Murdoch Childrens Research Institute
Classification: Uncertain significance for Intellectual developmental disorder, autosomal recessive 73. Last evaluated: 2025-10-07. Review status: criteria provided, single submitter. Criteria: ACMG Guidelines, 2015. Collection method: clinical testing. Allele origin: germline. Affected: yes.
Comment: This variant is classified as VUS-3B. Evidence in support of pathogenic classification: Variant is present in gnomAD <0.01 for a recessive condition (v4: 14 heterozygote(s), 0 homozygote(s)). Additional information: Variant is predicted to result in a missense amino acid change from Arg to Gln; This variant is heterozygous; This gene is associated with autosomal recessive disease; Alternative amino acid change(s) at the same position are present in gnomAD (Highest allele count: v4: 8 heterozygote(s), 0 homozygote(s)); This variant has no previous evidence of pathogenicity; No published evidence of segregation with disease has been identified for this variant; No published functional evidence has been identified for this variant; No comparable missense variants have previous evidence for pathogenicity; Variant is not located in an established domain, motif, hotspot or informative constraint region; Missense variant with inconclusive in silico prediction and uninformative conservation; Loss of function is a known mechanism of disease in this gene and is associated with intellectual developmental disorder, autosomal recessive 73 (MIM#619717), AR.